The following is an entry in ClinVar:

ClinVar aggregate classification (germline): Conflicting classifications of pathogenicity. Review status: criteria provided, conflicting classifications (1 of 4 stars). 5 submissions from 5 submitters: Uncertain significance (1); Likely benign (4). Last evaluated 2026-01-29.

Allele frequency attached by ClinVar (database versions not stated): gnomAD 0.00004 and 0.00008; gnomAD exomes 0.00006 and 0.00010; TOPMed 0.00008; ExAC 0.00007.
gnomAD v4.1: 77 of 831,740 alleles (0.0093%); highest among the groups gnomAD compares: Middle Eastern, 0.1%; no homozygotes.

Submissions (5):

Labcorp Genetics (formerly Invitae), Labcorp
Classification: Likely benign. Last evaluated: 2026-01-29. Review status: criteria provided, single submitter. Criteria: Invitae Variant Classification Sherloc (09022015). Collection method: clinical testing. Allele origin: germline.

Mayo Clinic Laboratories, Mayo Clinic
Classification: Likely benign. Last evaluated: 2025-02-25. Review status: criteria provided, single submitter. Criteria: ACMG Guidelines, 2015. Collection method: clinical testing. Allele origin: germline. Observed: 1 variant allele.
Comment: BP4, BP7, PM2_supporting

Blueprint Genetics
Classification: Likely benign. Last evaluated: 2024-10-08. Review status: criteria provided, single submitter. Criteria: ACMG Guidelines, 2015. Collection method: clinical testing. Allele origin: germline.

CeGaT Center for Human Genetics Tuebingen
Classification: Likely benign. Last evaluated: 2022-12-01. Review status: criteria provided, single submitter. Criteria: CeGaT Center For Human Genetics Tuebingen Variant Classification Criteria Version 2. Collection method: clinical testing. Allele origin: germline. Affected: yes. Observed: 1 variant allele.
Comment: ATP8B1: BP4, BP7

Eurofins Ntd Llc (ga)
Classification: Uncertain significance. Last evaluated: 2016-12-19. Review status: criteria provided, single submitter. Criteria: EGL Classification Definitions 2015. Collection method: clinical testing. Allele origin: germline. Observed: 1 variant allele, 1 heterozygote.

NM_001374385.1(ATP8B1):c.2100C>T (p.Leu700=)

Genes: ATP8B1 (ATPase phospholipid transporting 8B1; minus strand), ATP8B1-AS1 (ATP8B1 antisense RNA 1; plus strand). Cytogenetic location: 18q21.31.
Variant type: single nucleotide variant.
Coding change: c.2100C>T on transcript NM_001374385.1 (MANE Select); coding-DNA position 2100, C replaced by T.
Protein change: p.Leu700=; no amino-acid change (leucine 700 retained).
Molecular consequence: synonymous variant. On other transcripts: non-coding transcript variant (1).
Genome position (GRCh38, 1-based): chr18:57,668,538, G>A on the plus strand (C>T on the coding strand, the complement: ATP8B1 is on the minus strand). VCF-style: chr18-57668538-G-A. GRCh37 (hg19) VCF-style: chr18-55335770-G-A.
Other names: p.Leu700=; c.1950C>T, p.Leu650= (NM_001374386.1); c.2100C>T, p.Leu700= (NM_005603.6).
Identifiers: ClinVar variation 498774 (VCV000498774.38), dbSNP rs747771646, ClinGen allele CA8974358.